The following is an entry in ClinVar:

NM_032730.5(RTN4IP1):c.659T>C (p.Phe220Ser)

Gene: RTN4IP1 (reticulon 4 interacting protein 1; minus strand). Cytogenetic location: 6q21.
Variant type: single nucleotide variant.
Coding change: c.659T>C on transcript NM_032730.5 (MANE Select); coding-DNA position 659, T replaced by C.
Protein change: p.Phe220Ser; replaces phenylalanine 220 with serine.
Molecular consequence: missense variant.
Genome position (GRCh38, 1-based): chr6:106,602,884, A>G on the plus strand (T>C on the coding strand, the complement: RTN4IP1 is on the minus strand). VCF-style: chr6-106602884-A-G. GRCh37 (hg19) VCF-style: chr6-107050759-A-G.
Other names: c.359T>C, p.Phe120Ser (NM_001318746.1); short protein forms F120S, F220S.
Identifiers: ClinVar variation 1515472 (VCV001515472.6), dbSNP rs915859150, ClinGen allele CA144981783.

ClinVar aggregate classification (germline): Uncertain significance (1 of 4 stars; one submission).

Allele frequency attached by ClinVar (database versions not stated): gnomAD exomes below 0.00001; TOPMed 0.00002.
gnomAD v4.1: 4 of 1,602,370 alleles (0.00025%); highest among the groups gnomAD compares: East Asian, 0.0022%; no homozygotes.

Submission:

Labcorp Genetics (formerly Invitae), Labcorp
Classification: Uncertain significance. Last evaluated: 2021-08-26. Review status: criteria provided, single submitter. Criteria: Invitae Variant Classification Sherloc (09022015). Collection method: clinical testing. Allele origin: germline.
Comment: This sequence change replaces phenylalanine with serine at codon 220 of the RTN4IP1 protein (p.Phe220Ser). The phenylalanine residue is moderately conserved and there is a large physicochemical difference between phenylalanine and serine. In summary, the available evidence is currently insufficient to determine the role of this variant in disease. Therefore, it has been classified as a Variant of Uncertain Significance. Algorithms developed to predict the effect of missense changes on protein structure and function are either unavailable or do not agree on the potential impact of this missense change (SIFT: "Deleterious"; PolyPhen-2: "Probably Damaging"; Align-GVGD: "Class C15"). This variant has not been reported in the literature in individuals affected with RTN4IP1-related conditions. This variant is not present in population databases (ExAC no frequency).